The following is an entry in ClinVar:

ClinVar aggregate classification (germline): Benign. Review status: criteria provided, multiple submitters, no conflicts (2 of 4 stars). 2 submissions from 2 submitters: Benign (2). Last evaluated 2015-05-01.

Submissions (2):

GeneDx
Classification: Benign. Last evaluated: 2015-05-01. Review status: criteria provided, single submitter. Criteria: GeneDx Variant Classification (06012015). Collection method: clinical testing. Allele origin: germline. Affected: yes.
Comment: This variant was found in TAADV2-PANCARD

Eurofins Ntd Llc (ga)
Classification: Benign. Last evaluated: 2012-11-29. Review status: criteria provided, single submitter. Criteria: EGL Classification Definitions 2015. Collection method: clinical testing. Allele origin: germline. Observed: 5 variant alleles, 5 hemizygotes.

NM_005120.3(MED12):c.4416-77CTCTT[11]

Gene: MED12 (mediator complex subunit 12; plus strand). Cytogenetic location: Xq13.1.
Variant type: Microsatellite.
Coding change: c.4416-77CTCTT[11] on transcript NM_005120.3 (MANE Select); 11 copies in a row of the 5-base unit CTCTT starting at c.4416-77.
Molecular consequence: intron variant.
Genome position: GRCh38 VCF-style: chrX-71132767-CCTCTT-C. GRCh37 (hg19) VCF-style: chrX-70352617-CCTCTT-C.
Other names: c.4416-20_4416-16delCTTCT (NM_005120.2).
Identifiers: ClinVar variation 95249 (VCV000095249.7), dbSNP rs56658066, ClinGen allele CA285644.
Genomic context (GRCh38, chrX:71,132,767, plus strand): 5'-GAATGAGGTTGGAAGTTGACTCCCAACCCACAGTCTCCCTTTTCTCCTCTCCTCTTCTCT[CCTCTT>C]CTCTTCTCTTCTCTTCTCTTCTCTTCTCTTCTCTTCTCTTCTCTTCTCTTCTCTTCTTTC-3'